The following is an entry in ClinVar:

NM_173728.4(ARHGEF15):c.736A>T (p.Thr246Ser)

Gene: ARHGEF15 (Rho guanine nucleotide exchange factor 15; plus strand). Cytogenetic location: 17p13.1.
Variant type: single nucleotide variant.
Coding change: c.736A>T on transcript NM_173728.4 (MANE Select); coding-DNA position 736, A replaced by T.
Protein change: p.Thr246Ser; replaces threonine 246 with serine.
Molecular consequence: missense variant.
Genome position (GRCh38, 1-based): chr17:8,313,056, A>T. VCF-style: chr17-8313056-A-T. GRCh37 (hg19) VCF-style: chr17-8216374-A-T.
Other names: c.736A>T, p.Thr246Ser (NM_025014.2); short protein forms T246S.
Identifiers: ClinVar variation 834500 (VCV000834500.9), dbSNP rs774905343, ClinGen allele CA8374970.
Genomic context (GRCh38, chr17:8,313,056, plus strand): 5'-GTGCCTGTGGGGGGCTATGAGGAGGTCCCCAGGGTCCCCCGTCGGGCCTCCCCGCTGCGG[A>T]CCTCTCGCTCCCGCCCCCACCCTCCAAGCATCGGTCACCCTGCCGTTGTCCTCACATCCT-3'
Protein context (NP_776089.2, residues 236-256): RVPRRASPLR[Thr246Ser]SRSRPHPPSI

ClinVar aggregate classification (germline): Uncertain significance (1 of 4 stars; one submission).

Conditions:
Early-infantile DEE. Also called: Ohtahara syndrome; Early infantile epileptic encephalopathy with suppression bursts; Early infantile epileptic encephalopathy. Identifiers: Orphanet 1934, MedGen C0393706, MONDO:0800491.

Allele frequency attached by ClinVar (database versions not stated): ExAC 0.00002.
gnomAD v4.1: 13 of 1,608,488 alleles (0.00081%); highest among the groups gnomAD compares: Admixed American, 0.0017%; no homozygotes.

Submission:

Labcorp Genetics (formerly Invitae), Labcorp
Classification: Uncertain significance for Early-infantile DEE. Last evaluated: 2025-09-26. Review status: criteria provided, single submitter. Criteria: Invitae Variant Classification Sherloc (09022015). Collection method: clinical testing. Allele origin: germline.
Comment: This sequence change replaces threonine, which is neutral and polar, with serine, which is neutral and polar, at codon 246 of the ARHGEF15 protein (p.Thr246Ser). This variant is present in population databases (rs774905343, gnomAD 0.002%). This variant has not been reported in the literature in individuals affected with ARHGEF15-related conditions. ClinVar contains an entry for this variant (Variation ID: 834500). An algorithm developed to predict the effect of missense changes on protein structure and function (PolyPhen-2) suggests that this variant is likely to be tolerated. In summary, the available evidence is currently insufficient to determine the role of this variant in disease. Therefore, it has been classified as a Variant of Uncertain Significance.